The following is an entry in ClinVar:

ClinVar aggregate classification (germline): Uncertain significance. Review status: criteria provided, multiple submitters, no conflicts (2 of 4 stars). 2 submissions from 2 submitters: Uncertain significance (2). Last evaluated 2020-03-18.

Allele frequency attached by ClinVar (database versions not stated): gnomAD below 0.00001 and 0.00001; gnomAD exomes 0.00001 and 0.00002; ExAC 0.00002.
gnomAD v4.1: 16 of 1,600,420 alleles (0.001%); highest among the groups gnomAD compares: South Asian, 0.017%; no homozygotes.

Submissions (2):

Quest Diagnostics Nichols Institute San Juan Capistrano
Classification: Uncertain significance. Last evaluated: 2020-03-18. Review status: criteria provided, single submitter. Criteria: Quest Diagnostics criteria. Collection method: clinical testing. Allele origin: unknown.

Women's Health and Genetics/Laboratory Corporation of America, LabCorp
Classification: Uncertain significance. Last evaluated: 2018-10-04. Review status: criteria provided, single submitter. Criteria: LabCorp Variant Classification Summary - May 2015. Collection method: clinical testing. Allele origin: germline.
Comment: Variant summary: HBB c.*48T>C is located in the untranslated mRNA region downstream of the termination codon. The variant allele was found at a frequency of 2.4e-05 in 245892 control chromosomes. The available data on variant occurrences in the general population are insufficient to allow any conclusion about variant significance. To our knowledge, no occurrence of c.*48T>C in individuals affected with Hemoglobinopathy and no experimental evidence demonstrating its impact on protein function have been reported. No clinical diagnostic laboratories have submitted clinical-significance assessments for this variant to ClinVar after 2014. Based on the evidence outlined above, the variant was classified as uncertain significance.

NM_000518.5(HBB):c.*48T>C

Genes: HBB (hemoglobin subunit beta; minus strand), LOC107133510 (origin of replication at HBB; plus strand), LOC110006319 (beta-globin gene 3' regulatory region; plus strand). Cytogenetic location: 11p15.4.
Variant type: single nucleotide variant.
Coding change: c.*48T>C on transcript NM_000518.5 (MANE Select); 48 bases downstream of the stop codon, T replaced by C.
Molecular consequence: 3 prime UTR variant.
Genome position (GRCh38, 1-based): chr11:5,225,550, A>G on the plus strand (T>C on the coding strand, the complement: HBB is on the minus strand). VCF-style: chr11-5225550-A-G. GRCh37 (hg19) VCF-style: chr11-5246780-A-G.
Identifiers: ClinVar variation 633254 (VCV000633254.2), dbSNP rs759337708, ClinGen allele CA5839677.